The following is an entry in ClinVar:

NM_000260.4(MYO7A):c.6558+1G>T

Gene: MYO7A (myosin VIIA; plus strand). Cytogenetic location: 11q13.5.
Variant type: single nucleotide variant.
Coding change: c.6558+1G>T on transcript NM_000260.4 (MANE Select); the canonical splice donor site of the intron after coding-DNA position 6558, G replaced by T.
Molecular consequence: splice donor variant.
Genome position (GRCh38, 1-based): chr11:77,213,980, G>T. VCF-style: chr11-77213980-G-T. GRCh37 (hg19) VCF-style: chr11-76925025-G-T.
Other names: c.6411+1G>T (NM_001369365.1); c.6438+1G>T (NM_001127180.2).
Identifiers: ClinVar variation 1950706 (VCV001950706.5), dbSNP rs1328009205, ClinGen allele CA381938405.

ClinVar aggregate classification (germline): Likely pathogenic (1 of 4 stars; one submission).

Allele frequency attached by ClinVar (database versions not stated): gnomAD exomes 0.00001.
gnomAD v4.1: 3 of 1,614,054 alleles (0.00019%); highest among the groups gnomAD compares: Non-Finnish European, 0.00025%; no homozygotes.

Submission:

Labcorp Genetics (formerly Invitae), Labcorp
Classification: Likely pathogenic. Last evaluated: 2024-05-15. Review status: criteria provided, single submitter. Criteria: Invitae Variant Classification Sherloc (09022015). Collection method: clinical testing. Allele origin: germline.
Comment: This sequence change affects a donor splice site in intron 48 of the MYO7A gene. While this variant is not anticipated to result in nonsense mediated decay, it likely alters RNA splicing and results in a disrupted protein product. This variant is present in population databases (no rsID available, gnomAD 0.0009%). Disruption of this splice site has been observed in individual(s) with MYO7A-related conditions (Invitae). ClinVar contains an entry for this variant (Variation ID: 1950706). Variants that disrupt the consensus splice site are a relatively common cause of aberrant splicing (PMID: 17576681, 9536098). Algorithms developed to predict the effect of sequence changes on RNA splicing suggest that this variant may disrupt the consensus splice site. This variant disrupts a region of the MYO7A protein in which other variant(s) (p.Leu2193) have been observed in individuals with MYO7A-related conditions (PMID: 22135276). This suggests that this is a clinically significant region of the protein, and that variants that disrupt it are likely to be disease-causing. In summary, the currently available evidence indicates that the variant is pathogenic, but additional data are needed to prove that conclusively. Therefore, this variant has been classified as Likely Pathogenic.

Literature cited by the submitters: PubMed 17576681; PubMed 9536098; PubMed 22135276.